The following is an entry in ClinVar:

NM_033118.4(MYLK2):c.1462A>C (p.Thr488Pro)

Gene: MYLK2 (myosin light chain kinase 2; plus strand). Cytogenetic location: 20q11.21.
Variant type: single nucleotide variant.
Coding change: c.1462A>C on transcript NM_033118.4 (MANE Select); coding-DNA position 1462, A replaced by C.
Protein change: p.Thr488Pro; replaces threonine 488 with proline.
Molecular consequence: missense variant.
Genome position (GRCh38, 1-based): chr20:31,831,740, A>C. VCF-style: chr20-31831740-A-C. GRCh37 (hg19) VCF-style: chr20-30419543-A-C.
Other names: short protein forms T488P.
Identifiers: ClinVar variation 4860633 (VCV004860633.1).

ClinVar aggregate classification (germline): Uncertain significance (1 of 4 stars; one submission).

Submission:

Ambry Genetics
Classification: Uncertain significance. Last evaluated: 2026-04-27. Review status: criteria provided, single submitter. Criteria: Ambry Variant Classification Scheme 2023. Collection method: clinical testing. Allele origin: germline.
Comment: The p.T488P variant (also known as c.1462A>C), located in coding exon 10 of the MYLK2 gene, results from an A to C substitution at nucleotide position 1462. The threonine at codon 488 is replaced by proline, an amino acid with highly similar properties. This amino acid position is conserved. In addition, this alteration is predicted to be tolerated by in silico analysis. Based on the available evidence, the clinical significance of this variant remains unclear.